The following is an entry in ClinVar:

ClinVar aggregate classification (germline): Uncertain significance. Review status: criteria provided, multiple submitters, no conflicts (2 of 4 stars). 2 submissions from 2 submitters: Uncertain significance (2). Last evaluated 2024-08-27.

Conditions:
Congenital disorder of glycosylation, type Ii. Also called: ALG2-CDG; CDG Ii; ALG2-congenital disorder of glycosylation. Identifiers: Orphanet 79326, MedGen C1842836, MONDO:0011933, OMIM 607906.
Congenital myasthenic syndrome 14. Also called: Myasthenic syndrome, congenital, 14, with tubular aggregates. Identifiers: Orphanet 353327, Orphanet 590, MedGen C4015597, MONDO:0014543, OMIM 616228.
Inborn genetic diseases. Identifiers: MedGen C0950123, MeSH D030342.

Allele frequency attached by ClinVar (database versions not stated): gnomAD exomes 0.00001 and 0.00003; TOPMed 0.00002; ExAC 0.00001; gnomAD 0.00001.
gnomAD v4.1: 37 of 1,614,112 alleles (0.0023%); highest among the groups gnomAD compares: Non-Finnish European, 0.0031%; no homozygotes.

Submissions (2):

Ambry Genetics
Classification: Uncertain significance for Inborn genetic diseases. Last evaluated: 2024-08-27. Review status: criteria provided, single submitter. Criteria: Ambry Variant Classification Scheme 2023. Collection method: clinical testing. Allele origin: germline.

Labcorp Genetics (formerly Invitae), Labcorp
Classification: Uncertain significance for Congenital disorder of glycosylation, type Ii; Congenital myasthenic syndrome 14. Last evaluated: 2021-11-16. Review status: criteria provided, single submitter. Criteria: Invitae Variant Classification Sherloc (09022015). Collection method: clinical testing. Allele origin: germline.
Comment: In summary, the available evidence is currently insufficient to determine the role of this variant in disease. Therefore, it has been classified as a Variant of Uncertain Significance. Algorithms developed to predict the effect of missense changes on protein structure and function (SIFT, PolyPhen-2, Align-GVGD) all suggest that this variant is likely to be tolerated. This variant has not been reported in the literature in individuals affected with ALG2-related conditions. This variant is present in population databases (rs745514949, gnomAD 0.002%). This sequence change replaces serine, which is neutral and polar, with glycine, which is neutral and non-polar, at codon 207 of the ALG2 protein (p.Ser207Gly).

NM_033087.4(ALG2):c.619A>G (p.Ser207Gly)

Gene: ALG2 (ALG2 alpha-1,3/1,6-mannosyltransferase; minus strand). Cytogenetic location: 9q22.33.
Variant type: single nucleotide variant.
Coding change: c.619A>G on transcript NM_033087.4 (MANE Select); coding-DNA position 619, A replaced by G.
Protein change: p.Ser207Gly; replaces serine 207 with glycine.
Molecular consequence: missense variant. On other transcripts: non-coding transcript variant (1).
Genome position (GRCh38, 1-based): chr9:99,218,566, T>C on the plus strand (A>G on the coding strand, the complement: ALG2 is on the minus strand). VCF-style: chr9-99218566-T-C. GRCh37 (hg19) VCF-style: chr9-101980848-T-C.
Other names: c.619A>G (NM_033087.3); short protein forms S207G.
Identifiers: ClinVar variation 1516733 (VCV001516733.7), dbSNP rs745514949, ClinGen allele CA5156283.